The following is an entry in ClinVar:

NM_017871.6(INTS11):c.1572G>A (p.Gln524=)

Gene: INTS11 (integrator complex subunit 11; minus strand). Cytogenetic location: 1p36.33.
Variant type: single nucleotide variant.
Coding change: c.1572G>A on transcript NM_017871.6 (MANE Select); coding-DNA position 1572, G replaced by A.
Protein change: p.Gln524=; no amino-acid change (glutamine 524 retained).
Molecular consequence: synonymous variant.
Genome position (GRCh38, 1-based): chr1:1,312,261, C>T on the plus strand (G>A on the coding strand, the complement: INTS11 is on the minus strand). VCF-style: chr1-1312261-C-T. GRCh37 (hg19) VCF-style: chr1-1247641-C-T.
Other names: c.1590G>A, p.Gln530= (NM_001256456.2); c.1485G>A, p.Gln495= (NM_001256460.2); c.1278G>A, p.Gln426= (NM_001256462.2); c.1269G>A, p.Gln423= (NM_001256463.2).
Identifiers: ClinVar variation 4821005 (VCV004821005.4).

ClinVar aggregate classification (germline): Likely benign (1 of 4 stars; one submission).

gnomAD v4.1: 246 of 1,548,710 alleles (0.016%); highest among the groups gnomAD compares: African/African-American, 0.3%; 3 homozygotes.

Submission:

CeGaT Center for Human Genetics Tuebingen
Classification: Likely benign. Last evaluated: 2026-01-01. Review status: criteria provided, single submitter. Criteria: CeGaT Center For Human Genetics Tuebingen Variant Classification Criteria Version 2. Collection method: clinical testing. Allele origin: germline. Affected: yes. Observed: 1 variant allele.
Comment: INTS11: BP4, BP7